The following is an entry in ClinVar:

ClinVar aggregate classification (germline): Uncertain significance (1 of 4 stars; one submission).

Submission:

Labcorp Genetics (formerly Invitae), Labcorp
Classification: Uncertain significance. Last evaluated: 2023-04-24. Review status: criteria provided, single submitter. Criteria: Invitae Variant Classification Sherloc (09022015). Collection method: clinical testing. Allele origin: germline.
Comment: This sequence change replaces serine, which is neutral and polar, with tryptophan, which is neutral and slightly polar, at codon 1747 of the VCAN protein (p.Ser1747Trp). In summary, the available evidence is currently insufficient to determine the role of this variant in disease. Therefore, it has been classified as a Variant of Uncertain Significance. An algorithm developed to predict the effect of missense changes on protein structure and function (PolyPhen-2) suggests that this variant is likely to be disruptive. ClinVar contains an entry for this variant (Variation ID: 1040775). This variant has not been reported in the literature in individuals affected with VCAN-related conditions. This variant is not present in population databases (gnomAD no frequency).

NM_004385.5(VCAN):c.5240C>G (p.Ser1747Trp)

Genes: VCAN (versican; plus strand), VCAN-AS1 (VCAN antisense RNA 1; minus strand). Cytogenetic location: 5q14.3.
Variant type: single nucleotide variant.
Coding change: c.5240C>G on transcript NM_004385.5 (MANE Select); coding-DNA position 5240, C replaced by G.
Protein change: p.Ser1747Trp; replaces serine 1747 with tryptophan.
Molecular consequence: missense variant. On other transcripts: intron variant (2).
Genome position (GRCh38, 1-based): chr5:83,538,243, C>G. VCF-style: chr5-83538243-C-G. GRCh37 (hg19) VCF-style: chr5-82834062-C-G.
Other names: c.2279C>G, p.Ser760Trp (NM_001164097.2); c.4004-7294C>G (NM_001164098.2); c.1043-7294C>G (NM_001126336.3); short protein forms S760W, S1747W.
Identifiers: ClinVar variation 1040775 (VCV001040775.8), dbSNP rs376380721, ClinGen allele CA360309978.